The following is an entry in ClinVar:

NM_006648.4(WNK2):c.6455C>G (p.Thr2152Ser)

Gene: WNK2 (WNK lysine deficient protein kinase 2; plus strand). Cytogenetic location: 9q22.31.
Variant type: single nucleotide variant.
Coding change: c.6455C>G on transcript NM_006648.4 (MANE Select); coding-DNA position 6455, C replaced by G.
Protein change: p.Thr2152Ser; replaces threonine 2152 with serine.
Molecular consequence: missense variant.
Genome position (GRCh38, 1-based): chr9:93,308,523, C>G. VCF-style: chr9-93308523-C-G. GRCh37 (hg19) VCF-style: chr9-96070805-C-G.
Other names: c.6566C>G, p.Thr2189Ser (NM_001282394.3); short protein forms T2152S, T2189S.
Identifiers: ClinVar variation 5031815 (VCV005031815.1).

ClinVar aggregate classification (germline): Uncertain significance (1 of 4 stars; one submission).

Submission:

Ambry Genetics
Classification: Uncertain significance. Last evaluated: 2026-06-28. Review status: criteria provided, single submitter. Criteria: Ambry Variant Classification Scheme 2023. Collection method: clinical testing. Allele origin: germline.
Comment: The p.T2152S variant (also known as c.6455C>G), located in coding exon 27 of the WNK2 gene, results from a C to G substitution at nucleotide position 6455. The threonine at codon 2152 is replaced by serine, an amino acid with similar properties. This amino acid position is conserved. In addition, this alteration is predicted to be tolerated by in silico analysis. Based on the available evidence, the clinical significance of this variant remains unclear.